The following is an entry in ClinVar:

ClinVar aggregate classification (germline): Conflicting classifications of pathogenicity. Review status: criteria provided, conflicting classifications (1 of 4 stars). 7 submissions from 7 submitters: Pathogenic (2); Likely pathogenic (3); Uncertain significance (2). Last evaluated 2026-08-18.

Conditions:
Leber congenital amaurosis (LCA). Also called: Leber's amaurosis. Identifiers: Orphanet 65, MedGen C0339527, MeSH D057130, MONDO:0018998.
Leber congenital amaurosis 13 (LCA13). Identifiers: MedGen C2675186, MONDO:0012990, OMIM 612712.
RDH12-related disorder. Also called: RDH12-related condition; RDH12-related disorders.

Allele frequency attached by ClinVar (database versions not stated): gnomAD exomes 0.00003 and 0.00007; ExAC 0.00008; ESP Exome Variant Server 0.00015; 1000 Genomes Project 0.00020; gnomAD 0.00027 and 0.00029; TOPMed 0.00029; 1000 Genomes Project 30x 0.00031.
gnomAD v4.1: 83 of 1,613,184 alleles (0.0051%); highest among the groups gnomAD compares: African/African-American, 0.1%; no homozygotes.

Submissions (7):

PreventionGenetics, part of Exact Sciences
Classification: Likely pathogenic for RDH12-related condition. Last evaluated: 2026-08-18. Review status: criteria provided, single submitter. Criteria: ACMG Guidelines, 2015. Collection method: clinical testing. Allele origin: germline.
Comment: The RDH12 c.869T>G variant is predicted to result in the amino acid substitution p.Val290Gly. This variant has been reported along with the likely pathogenic RDH12 p.Gly76Arg missense variant in two unrelated individuals with retinal disease (Eisenberger et al. 2013. PubMed ID: 24265693; Table S2, Birtel et al. 2018. PubMed ID: 30543658) and along with the likely pathogenic RDH12 p.Val233Leu missense variant in an individual with retinal disease (Lee et al. 2015. PubMed ID: 25910913). This variant is predicted to be damaging to the encoded protein by three out of four prediction programs (Liu et al. 2016. PMID:26555599). This variant is present in 0.096% of alleles in individuals of African descent in gnomAD and has been reported in a carrier screen of the general population (Hanany et al. 2020. PubMed ID: 31964843). Given the evidence, we interpret this variant as likely pathogenic for autosomal recessive disease.

Natera, Inc.
Classification: Likely pathogenic for Leber congenital amaurosis. Last evaluated: 2025-12-16. Review status: criteria provided, single submitter. Criteria: Natera Variant Classification Schema (03/2026). Collection method: clinical testing. Allele origin: germline.
Comment: The c.869T>G variant in RDH12 is a missense variant predicted to cause substitution of valine to glycine at amino acid 290. This variant is rare in the general population with a frequency below the threshold expected for the associated phenotype(s). This variant has been observed in one or more individuals affected with the associated recessive disease, as either homozygous or compound heterozygous with a second variant (PMID: 25910913, 24265693, 37714431). Computational prediction algorithms indicate this variant is likely to affect gene or protein function. Given the available evidence, this variant is classified as Likely Pathogenic.

Labcorp Genetics (formerly Invitae), Labcorp
Classification: Pathogenic for Leber congenital amaurosis 13. Last evaluated: 2025-10-30. Review status: criteria provided, single submitter. Criteria: Invitae Variant Classification Sherloc (09022015). Collection method: clinical testing. Allele origin: germline.
Comment: This sequence change replaces valine, which is neutral and non-polar, with glycine, which is neutral and non-polar, at codon 290 of the RDH12 protein (p.Val290Gly). This variant is present in population databases (rs61740289, gnomAD 0.1%). This missense change has been observed in individual(s) with clinical features of autosomal recessive RDH12-related conditions (PMID: 24265693, 25910913; internal data). In at least one individual the data is consistent with being in trans (on the opposite chromosome) from a pathogenic variant. ClinVar contains an entry for this variant (Variation ID: 285209). Invitae Evidence Modeling of protein sequence and biophysical properties (such as structural, functional, and spatial information, amino acid conservation, physicochemical variation, residue mobility, and thermodynamic stability) indicates that this missense variant is not expected to disrupt RDH12 protein function with a negative predictive value of 80%. For these reasons, this variant has been classified as Pathogenic.

Women's Health and Genetics/Laboratory Corporation of America, LabCorp
Classification: Likely pathogenic for Leber congenital amaurosis. Last evaluated: 2025-05-22. Review status: criteria provided, single submitter. Criteria: LabCorp Variant Classification Summary - May 2015. Collection method: clinical testing. Allele origin: germline.
Comment: Variant summary: RDH12 c.869T>G (p.Val290Gly) results in a non-conservative amino acid change in the encoded protein sequence. Algorithms developed to predict the effect of missense changes on protein structure and function are either unavailable or do not agree on the potential impact of this missense change. The variant allele was found at a frequency of 6.8e-05 in 251440 control chromosomes. This frequency is not significantly higher than estimated for a pathogenic variant in RDH12 causing Leber Congenital Amaurosis (6.8e-05 vs 0.0016), allowing no conclusion about variant significance. c.869T>G has been observed in individual(s) affected with Leber Congenital Amaurosis (example: Eisenberger_2013, internal data). In at least one of these individuals the variant was found to be carried in trans with a pathogenic variant. These data indicate that the variant is likely to be associated with disease. To our knowledge, no experimental evidence demonstrating an impact on protein function has been reported. The following publications have been ascertained in the context of this evaluation (PMID: 30543658, 37714431, 24265693, 25910913). ClinVar contains an entry for this variant (Variation ID: 285209). Based on the evidence outlined above, the variant was classified as likely pathogenic.

Blueprint Genetics
Classification: Pathogenic for RDH12-related disorders. Last evaluated: 2023-09-06. Review status: criteria provided, single submitter. Criteria: ACMG Guidelines, 2015. Collection method: clinical testing. Allele origin: germline. Affected: yes. Observed: 5 variant alleles.

Department of Pathology and Laboratory Medicine, Sinai Health System
Classification: Uncertain significance for Leber congenital amaurosis 13. Last evaluated: 2023-05-27. Review status: criteria provided, single submitter. Criteria: ACMG Guidelines, 2015. Collection method: research. Allele origin: germline.

Eurofins Ntd Llc (ga)
Classification: Uncertain significance. Last evaluated: 2015-12-10. Review status: criteria provided, single submitter. Criteria: EGL Classification Definitions 2015. Collection method: clinical testing. Allele origin: germline. Observed: 1 variant allele, 1 heterozygote.

Literature cited by the submitters: PubMed 25910913 (cited by 3 submitters); PubMed 24265693 (cited by 3 submitters); PubMed 37714431 (cited by Natera, Inc. and Women's Health and Genetics/Laboratory Corporation of America, LabCorp); PubMed 30543658 (cited by Women's Health and Genetics/Laboratory Corporation of America, LabCorp).

NM_152443.3(RDH12):c.869T>G (p.Val290Gly)

Genes: GPHN (gephyrin; plus strand), RDH12 (retinol dehydrogenase 12; plus strand), ZFYVE26 (zinc finger FYVE-type containing 26; minus strand). Cytogenetic location: 14q24.1.
Variant type: single nucleotide variant.
Coding change: c.869T>G on transcript NM_152443.3 (MANE Select); coding-DNA position 869, T replaced by G.
Protein change: p.Val290Gly; replaces valine 290 with glycine.
Molecular consequence: missense variant.
Genome position (GRCh38, 1-based): chr14:67,733,766, T>G. VCF-style: chr14-67733766-T-G. GRCh37 (hg19) VCF-style: chr14-68200483-T-G.
Other names: short protein forms V290G.
Identifiers: ClinVar variation 285209 (VCV000285209.23), dbSNP rs61740289, ClinGen allele CA7238874.